The following is an entry in ClinVar:

ClinVar aggregate classification (germline): Uncertain significance. Review status: criteria provided, multiple submitters, no conflicts (2 of 4 stars). 2 submissions from 2 submitters: Uncertain significance (2). Last evaluated 2023-10-13.

Allele frequency attached by ClinVar (database versions not stated): gnomAD 0.00001; ExAC 0.00002; TOPMed 0.00002; gnomAD exomes 0.00003 and 0.00005.
gnomAD v4.1: 18 of 1,613,958 alleles (0.0011%); highest among the groups gnomAD compares: Admixed American, 0.028%; no homozygotes.

Submissions (2):

Labcorp Genetics (formerly Invitae), Labcorp
Classification: Uncertain significance. Last evaluated: 2023-10-13. Review status: criteria provided, single submitter. Criteria: Invitae Variant Classification Sherloc (09022015). Collection method: clinical testing. Allele origin: germline.
Comment: This sequence change replaces tryptophan, which is neutral and slightly polar, with arginine, which is basic and polar, at codon 108 of the REEP6 protein (p.Trp108Arg). This variant is present in population databases (rs768240759, gnomAD 0.03%). This missense change has been observed in individuals with retinitis pigmentosa (Invitae). ClinVar contains an entry for this variant (Variation ID: 1468891). Experimental studies and prediction algorithms are not available or were not evaluated, and the functional significance of this variant is currently unknown. In summary, the available evidence is currently insufficient to determine the role of this variant in disease. Therefore, it has been classified as a Variant of Uncertain Significance.

Blueprint Genetics
Classification: Uncertain significance. Last evaluated: 2022-12-01. Review status: criteria provided, single submitter. Criteria: ACMG Guidelines, 2015. Collection method: clinical testing. Allele origin: germline.

NM_138393.4(REEP6):c.322T>C (p.Trp108Arg)

Gene: REEP6 (receptor accessory protein 6; plus strand). Cytogenetic location: 19p13.3.
Variant type: single nucleotide variant.
Coding change: c.322T>C on transcript NM_138393.4 (MANE Select); coding-DNA position 322, T replaced by C.
Protein change: p.Trp108Arg; replaces tryptophan 108 with arginine.
Molecular consequence: missense variant.
Genome position (GRCh38, 1-based): chr19:1,495,581, T>C. VCF-style: chr19-1495581-T-C. GRCh37 (hg19) VCF-style: chr19-1495580-T-C.
Other names: c.322T>C, p.Trp108Arg (NM_001329556.3); short protein forms W108R.
Identifiers: ClinVar variation 1468891 (VCV001468891.5), dbSNP rs768240759, ClinGen allele CA9047486.
Genomic context (GRCh38, chr19:1,495,581, plus strand): 5'-TACTGGGTGGTGTACGCCCTGTTTGGGCTGGCCGAGTTCTTCAGCGATCTACTCCTGTCC[T>C]GGTTCCCTTTCTACTACGTGGGCAAGGTGGGCCCTGCCAGGGCGGGCACAGCCGTGGAGC-3'
Protein context (NP_612402.1, residues 98-118): AEFFSDLLLS[Trp108Arg]FPFYYVGKCA